The following is an entry in ClinVar:

NM_000834.5(GRIN2B):c.3127T>C (p.Ser1043Pro)

Gene: GRIN2B (glutamate ionotropic receptor NMDA type subunit 2B; minus strand). Cytogenetic location: 12p13.1.
Variant type: single nucleotide variant.
Coding change: c.3127T>C on transcript NM_000834.5 (MANE Select); coding-DNA position 3127, T replaced by C.
Protein change: p.Ser1043Pro; replaces serine 1043 with proline.
Molecular consequence: missense variant.
Genome position (GRCh38, 1-based): chr12:13,564,111, A>G on the plus strand (T>C on the coding strand, the complement: GRIN2B is on the minus strand). VCF-style: chr12-13564111-A-G. GRCh37 (hg19) VCF-style: chr12-13717045-A-G.
Other names: c.3127T>C, p.Ser1043Pro (NM_001413992.1); short protein forms S1043P.
Identifiers: ClinVar variation 2951193 (VCV002951193.3), dbSNP rs1251332746, ClinGen allele CA383990791.

ClinVar aggregate classification (germline): Uncertain significance (1 of 4 stars; one submission).

Conditions:
Intellectual developmental disorder, autosomal dominant 6, with or without seizures. Also called: GRIN2B-related developmental delay, intellectual disability and autism spectrum disorder; Intellectual disability, autosomal dominant 6. Identifiers: Orphanet 589547, MedGen C3151411, MONDO:0013509, OMIM 613970.
Developmental and epileptic encephalopathy, 27 (DEE27). Also called: Epileptic encephalopathy, early infantile, 27; GRIN2B-Related Neurodevelopmental Disorder. Identifiers: Orphanet 3451, MedGen C4015316, MONDO:0014505, OMIM 616139.

gnomAD v4.1: 1 of 1,614,050 alleles (0.000062%); no homozygotes.

Submission:

Labcorp Genetics (formerly Invitae), Labcorp
Classification: Uncertain significance for Developmental and epileptic encephalopathy, 27; Intellectual developmental disorder, autosomal dominant 6, with or without seizures. Last evaluated: 2024-01-26. Review status: criteria provided, single submitter. Criteria: Invitae Variant Classification Sherloc (09022015). Collection method: clinical testing. Allele origin: germline.
Comment: This sequence change replaces serine, which is neutral and polar, with proline, which is neutral and non-polar, at codon 1043 of the GRIN2B protein (p.Ser1043Pro). This variant is not present in population databases (gnomAD no frequency). This variant has not been reported in the literature in individuals affected with GRIN2B-related conditions. Advanced modeling of protein sequence and biophysical properties (such as structural, functional, and spatial information, amino acid conservation, physicochemical variation, residue mobility, and thermodynamic stability) has been performed at Invitae for this missense variant, however the output from this modeling did not meet the statistical confidence thresholds required to predict the impact of this variant on GRIN2B protein function. In summary, the available evidence is currently insufficient to determine the role of this variant in disease. Therefore, it has been classified as a Variant of Uncertain Significance.